The following is an entry in ClinVar:

ClinVar aggregate classification (germline): Uncertain significance (1 of 4 stars; one submission).

Conditions:
Tatton-Brown-Rahman overgrowth syndrome. Also called: Tall stature-intellectual disability-facial dysmorphism syndrome; Tatton-Brown-Rahman syndrome. Identifiers: Orphanet 404443, MedGen C4014545, MONDO:0014382, OMIM 615879.

Submission:

Labcorp Genetics (formerly Invitae), Labcorp
Classification: Uncertain significance for Tatton-Brown-Rahman overgrowth syndrome. Last evaluated: 2021-04-13. Review status: criteria provided, single submitter. Criteria: Invitae Variant Classification Sherloc (09022015). Collection method: clinical testing. Allele origin: germline.
Comment: This variant has not been reported in the literature in individuals with DNMT3A-related conditions. This variant is not present in population databases (ExAC no frequency). This sequence change replaces alanine with threonine at codon 353 of the DNMT3A protein (p.Ala353Thr). The alanine residue is moderately conserved and there is a small physicochemical difference between alanine and threonine. Algorithms developed to predict the effect of missense changes on protein structure and function (SIFT, PolyPhen-2, Align-GVGD) all suggest that this variant is likely to be tolerated, but these predictions have not been confirmed by published functional studies and their clinical significance is uncertain. In summary, the available evidence is currently insufficient to determine the role of this variant in disease. Therefore, it has been classified as a Variant of Uncertain Significance.

NM_022552.5(DNMT3A):c.1057G>A (p.Ala353Thr)

Gene: DNMT3A (DNA methyltransferase 3 alpha; minus strand). Cytogenetic location: 2p23.3.
Variant type: single nucleotide variant.
Coding change: c.1057G>A on transcript NM_022552.5 (MANE Select); coding-DNA position 1057, G replaced by A.
Protein change: p.Ala353Thr; replaces alanine 353 with threonine.
Molecular consequence: missense variant. On other transcripts: non-coding transcript variant (1).
Genome position (GRCh38, 1-based): chr2:25,247,116, C>T on the plus strand (G>A on the coding strand, the complement: DNMT3A is on the minus strand). VCF-style: chr2-25247116-C-T. GRCh37 (hg19) VCF-style: chr2-25469985-C-T.
Other names: c.601G>A, p.Ala201Thr (NM_001320893.1); c.388G>A, p.Ala130Thr (NM_001375819.1); c.490G>A, p.Ala164Thr (NM_153759.3); c.1057G>A, p.Ala353Thr (NM_175629.2); short protein forms A201T, A130T, A164T, A353T.
Identifiers: ClinVar variation 1497362 (VCV001497362.6), dbSNP rs2149305402, ClinGen allele CA346074108.